The following is an entry in ClinVar:

NM_016207.4(CPSF3):c.1604-6T>G

Gene: CPSF3 (cleavage and polyadenylation specific factor 3; plus strand). Cytogenetic location: 2p25.1.
Variant type: single nucleotide variant.
Coding change: c.1604-6T>G on transcript NM_016207.4 (MANE Select); 6 bases into the intron before coding-DNA position 1604, T replaced by G.
Molecular consequence: intron variant.
Genome position (GRCh38, 1-based): chr2:9,456,927, T>G. VCF-style: chr2-9456927-T-G. GRCh37 (hg19) VCF-style: chr2-9597056-T-G.
Other names: c.1493-6T>G (NM_001321834.2, NM_001321833.2); c.1616-6T>G (NM_001321836.2); c.1187-6T>G (NM_001321835.2).
Identifiers: ClinVar variation 5039870 (VCV005039870.1).

ClinVar aggregate classification (germline): Likely benign (1 of 4 stars; one submission).

gnomAD v4.1: 163 of 1,539,102 alleles (0.011%); highest among the groups gnomAD compares: Admixed American, 0.29%; 1 homozygote.

Submission:

CeGaT Center for Human Genetics Tuebingen
Classification: Likely benign. Last evaluated: 2026-07-01. Review status: criteria provided, single submitter. Criteria: CeGaT Center For Human Genetics Tuebingen Variant Classification Criteria Version 2. Collection method: clinical testing. Allele origin: germline. Affected: yes. Observed: 1 variant allele.
Comment: CPSF3: BP4